The following is an entry in ClinVar:

ClinVar aggregate classification (germline): Uncertain significance (1 of 4 stars; one submission).

Submission:

Labcorp Genetics (formerly Invitae), Labcorp
Classification: Uncertain significance. Last evaluated: 2022-11-08. Review status: criteria provided, single submitter. Criteria: Invitae Variant Classification Sherloc (09022015). Collection method: clinical testing. Allele origin: germline.
Comment: In summary, the available evidence is currently insufficient to determine the role of this variant in disease. Therefore, it has been classified as a Variant of Uncertain Significance. Algorithms developed to predict the effect of missense changes on protein structure and function (SIFT, PolyPhen-2, Align-GVGD) all suggest that this variant is likely to be disruptive. ClinVar contains an entry for this variant (Variation ID: 1507651). This variant has not been reported in the literature in individuals affected with CXCR2-related conditions. This variant is not present in population databases (gnomAD no frequency). This sequence change replaces proline, which is neutral and non-polar, with threonine, which is neutral and polar, at codon 311 of the CXCR2 protein (p.Pro311Thr).

NM_001557.4(CXCR2):c.931C>A (p.Pro311Thr)

Gene: CXCR2 (C-X-C motif chemokine receptor 2; plus strand). Cytogenetic location: 2q35.
Variant type: single nucleotide variant.
Coding change: c.931C>A on transcript NM_001557.4 (MANE Select); coding-DNA position 931, C replaced by A.
Protein change: p.Pro311Thr; replaces proline 311 with threonine.
Molecular consequence: missense variant.
Genome position (GRCh38, 1-based): chr2:218,135,732, C>A. VCF-style: chr2-218135732-C-A. GRCh37 (hg19) VCF-style: chr2-219000455-C-A.
Other names: c.931C>A, p.Pro311Thr (NM_001168298.2); short protein forms P311T.
Identifiers: ClinVar variation 1507651 (VCV001507651.8), dbSNP rs2106109346, ClinGen allele CA350532522.
Genomic context (GRCh38, chr2:218,135,732, plus strand): 5'-CACATCGACCGGGCTCTGGATGCCACCGAGATTCTGGGCATCCTTCACAGCTGCCTCAAC[C>A]CCCTCATCTACGCCTTCATTGGCCAGAAGTTTCGCCATGGACTCCTCAAGATTCTAGCTA-3'
Protein context (NP_001548.1, residues 301-321): ILGILHSCLN[Pro311Thr]LIYAFIGQKF